The following is an entry in ClinVar:

ClinVar aggregate classification (germline): Pathogenic (1 of 4 stars; one submission).

Conditions:
Mucopolysaccharidosis, MPS-II (MPS2). Also called: Attenuated MPS (subtype; formerly known as mild MPS II); Severe MPS II; I2S deficiency; MPS 2; Hunter Syndrome; IDURONATE 2-SULFATASE DEFICIENCY. Identifiers: Orphanet 580, Orphanet 79388, MedGen C0026705, MONDO:0010674, OMIM 309900.

Submission:

Myriad Genetics, Inc.
Classification: Pathogenic for Mucopolysaccharidosis, MPS-II. Last evaluated: 2023-08-12. Review status: criteria provided, single submitter. Criteria: Myriad Autosomal Dominant, Autosomal Recessive and X-Linked Classification Criteria (2023). Collection method: clinical testing. Allele origin: unknown.
Comment: NM_000202.5(IDS):c.315_316delCA(F105Lfs*39) is expected to be pathogenic in the context of mucopolysaccharidosis type II. This variant is predicted to lead to an abnormal or absent protein product due to the creation of a premature termination codon in IDS, a gene where loss-of-function variants are known to be pathogenic. Please note: this variant was assessed in the context of healthy population screening.

NM_000202.8(IDS):c.315_316del (p.Phe105fs)

Gene: IDS (iduronate 2-sulfatase; minus strand). Cytogenetic location: Xq28.
Variant type: Deletion.
Coding change: c.315_316del on transcript NM_000202.8 (MANE Select); coding-DNA positions 315 to 316, 2 bases deleted (CA; older notation c.315_316delCA).
Protein change: p.Phe105fs; shifts the reading frame from phenylalanine 105.
Molecular consequence: frameshift variant. On other transcripts: non-coding transcript variant (1).
Genome position (GRCh38, 1-based): chrX:149,503,414-149,503,415, TG deleted on the plus strand (CA on the coding strand, the reverse complement: IDS is on the minus strand). VCF-style (leftmost placement, unchanged base first): chrX-149503413-TTG-T. GRCh37 (hg19) VCF-style: chrX-148584943-TTG-T.
Other names: c.45_46del, p.Phe15fs (NM_001166550.4); c.315_316del, p.Phe105fs (NM_006123.5); short protein forms F105fs, F15fs.
Identifiers: ClinVar variation 5011327 (VCV005011327.1).
Genomic context (GRCh38, chrX:149,503,413, plus strand): 5'-TTCTCCTTGAAGTACTGGGGGATGGTGGAGAAGTTTCCAGCGTGCACCCTCCAGTAGGAG[TTG>T]AAGTCGTACAGGCGGGTGGTGTCAGGTCTCCTGCCAGTGAGGAAAGAAACGCGGCTCGGG-3'